The following is an entry in ClinVar:

NM_177924.5(ASAH1):c.631T>G (p.Leu211Val)

Gene: ASAH1 (N-acylsphingosine amidohydrolase 1; minus strand). Cytogenetic location: 8p22.
Variant type: single nucleotide variant.
Coding change: c.631T>G on transcript NM_177924.5 (MANE Select); coding-DNA position 631, T replaced by G.
Protein change: p.Leu211Val; replaces leucine 211 with valine.
Molecular consequence: missense variant.
Genome position (GRCh38, 1-based): chr8:18,062,296, A>C on the plus strand (T>G on the coding strand, the complement: ASAH1 is on the minus strand). VCF-style: chr8-18062296-A-C. GRCh37 (hg19) VCF-style: chr8-17919805-A-C.
Other names: c.613T>G, p.Leu205Val (NM_001127505.3); c.436T>G, p.Leu146Val (NM_001363743.2); c.679T>G, p.Leu227Val (NM_004315.6); short protein forms L146V, L205V, L227V, L211V.
Identifiers: ClinVar variation 1424619 (VCV001424619.3), dbSNP rs763439501, ClinGen allele CA4650762.

ClinVar aggregate classification (germline): Uncertain significance (1 of 4 stars; one submission).

Allele frequency attached by ClinVar (database versions not stated): gnomAD exomes below 0.00001 and 0.00001; ExAC 0.00001.

Submission:

Labcorp Genetics (formerly Invitae), Labcorp
Classification: Uncertain significance. Last evaluated: 2021-12-25. Review status: criteria provided, single submitter. Criteria: Invitae Variant Classification Sherloc (09022015). Collection method: clinical testing. Allele origin: germline.
Comment: This sequence change replaces leucine, which is neutral and non-polar, with valine, which is neutral and non-polar, at codon 211 of the ASAH1 protein (p.Leu211Val). This variant is present in population databases (rs763439501, gnomAD 0.002%). This variant has not been reported in the literature in individuals affected with ASAH1-related conditions. Algorithms developed to predict the effect of missense changes on protein structure and function (SIFT, PolyPhen-2, Align-GVGD) all suggest that this variant is likely to be tolerated. Algorithms developed to predict the effect of sequence changes on RNA splicing suggest that this variant may create or strengthen a splice site. In summary, the available evidence is currently insufficient to determine the role of this variant in disease. Therefore, it has been classified as a Variant of Uncertain Significance.